The following is an entry in ClinVar:

ClinVar aggregate classification (germline): Uncertain significance (1 of 4 stars; one submission).

Conditions:
Polyhydramnios, megalencephaly, and symptomatic epilepsy (PMSE). Also called: PMSE SYNDROME. Identifiers: Orphanet 500533, MedGen C1970203, MONDO:0012611, OMIM 611087.

Allele frequency attached by ClinVar (database versions not stated): TOPMed below 0.00001; gnomAD 0.00002.
gnomAD v4.1: 3 of 1,614,076 alleles (0.00019%); highest among the groups gnomAD compares: African/African-American, 0.004%; no homozygotes.

Submission:

Labcorp Genetics (formerly Invitae), Labcorp
Classification: Uncertain significance for Polyhydramnios, megalencephaly, and symptomatic epilepsy. Last evaluated: 2022-06-24. Review status: criteria provided, single submitter. Criteria: Invitae Variant Classification Sherloc (09022015). Collection method: clinical testing. Allele origin: germline.
Comment: In summary, the available evidence is currently insufficient to determine the role of this variant in disease. Therefore, it has been classified as a Variant of Uncertain Significance. Algorithms developed to predict the effect of missense changes on protein structure and function (SIFT, PolyPhen-2, Align-GVGD) all suggest that this variant is likely to be tolerated. This variant has not been reported in the literature in individuals affected with STRADA-related conditions. This variant is present in population databases (no rsID available, gnomAD 0.02%). This sequence change replaces isoleucine, which is neutral and non-polar, with valine, which is neutral and non-polar, at codon 414 of the STRADA protein (p.Ile414Val).

NM_001003787.4(STRADA):c.1240A>G (p.Ile414Val)

Gene: STRADA (STE20 related adaptor alpha; minus strand). Cytogenetic location: 17q23.3.
Variant type: single nucleotide variant.
Coding change: c.1240A>G on transcript NM_001003787.4 (MANE Select); coding-DNA position 1240, A replaced by G.
Protein change: p.Ile414Val; replaces isoleucine 414 with valine.
Molecular consequence: missense variant. On other transcripts: 3 prime UTR variant (7), non-coding transcript variant (1).
Genome position (GRCh38, 1-based): chr17:63,703,655, T>C on the plus strand (A>G on the coding strand, the complement: STRADA is on the minus strand). VCF-style: chr17-63703655-T-C. GRCh37 (hg19) VCF-style: chr17-61781015-T-C.
Other names: c.1129A>G, p.Ile377Val (NM_001003786.3); c.1066A>G, p.Ile356Val (NM_001003788.3); c.*117A>G (NM_001165969.2, NM_001165970.2, NM_001363788.1 and 2 more transcripts); c.1216A>G, p.Ile406Val (NM_001363786.1); c.1153A>G, p.Ile385Val (NM_001363787.1); c.*29A>G (NM_001363790.1); c.*1224A>G (NM_001411083.1, NM_001411084.1); c.*1235A>G (NM_001411085.1); and 1 more; short protein forms I356V, I385V, I377V, I406V, I414V.
Identifiers: ClinVar variation 2180325 (VCV002180325.4), dbSNP rs1447251706, ClinGen allele CA400585428.